The following is an entry in ClinVar:

ClinVar aggregate classification (germline): Uncertain significance (1 of 4 stars; one submission).

gnomAD v4.1: 2 of 1,613,788 alleles (0.00012%); highest among the groups gnomAD compares: Admixed American, 0.0033%; no homozygotes.

Submission:

Labcorp Genetics (formerly Invitae), Labcorp
Classification: Uncertain significance. Last evaluated: 2024-07-13. Review status: criteria provided, single submitter. Criteria: Invitae Variant Classification Sherloc (09022015). Collection method: clinical testing. Allele origin: germline.
Comment: This sequence change replaces methionine, which is neutral and non-polar, with leucine, which is neutral and non-polar, at codon 539 of the GANAB protein (p.Met539Leu). This variant is present in population databases (no rsID available, gnomAD 0.006%). This variant has not been reported in the literature in individuals affected with GANAB-related conditions. Advanced modeling of protein sequence and biophysical properties (such as structural, functional, and spatial information, amino acid conservation, physicochemical variation, residue mobility, and thermodynamic stability) performed at Invitae indicates that this missense variant is not expected to disrupt GANAB protein function with a negative predictive value of 80%. In summary, the available evidence is currently insufficient to determine the role of this variant in disease. Therefore, it has been classified as a Variant of Uncertain Significance.

NM_198334.3(GANAB):c.1549A>T (p.Met517Leu)

Gene: GANAB (glucosidase II alpha subunit; minus strand). Cytogenetic location: 11q12.3.
Variant type: single nucleotide variant.
Coding change: c.1549A>T on transcript NM_198334.3 (MANE Select); coding-DNA position 1549, A replaced by T.
Protein change: p.Met517Leu; replaces methionine 517 with leucine.
Molecular consequence: missense variant.
Genome position (GRCh38, 1-based): chr11:62,630,241, T>A on the plus strand (A>T on the coding strand, the complement: GANAB is on the minus strand). VCF-style: chr11-62630241-T-A. GRCh37 (hg19) VCF-style: chr11-62397713-T-A.
Other names: c.1273A>T, p.Met425Leu (NM_001278192.2); c.1207A>T, p.Met403Leu (NM_001278193.2); c.1258A>T, p.Met420Leu (NM_001278194.2, NM_001329222.2, NM_001329223.2); c.826A>T, p.Met276Leu (NM_001329224.2, NM_001329225.2); c.1615A>T, p.Met539Leu (NM_198335.4); short protein forms M276L, M403L, M420L, M425L, M517L, M539L.
Identifiers: ClinVar variation 3610544 (VCV003610544.2).